The following is an entry in ClinVar:

NM_000047.3(ARSL):c.294C>A (p.Tyr98Ter)

Gene: ARSL (arylsulfatase L; minus strand). Cytogenetic location: Xp22.33.
Variant type: single nucleotide variant.
Coding change: c.294C>A on transcript NM_000047.3 (MANE Select); coding-DNA position 294, C replaced by A.
Protein change: p.Tyr98Ter; replaces tyrosine 98 with a stop codon.
Molecular consequence: nonsense.
Genome position (GRCh38, 1-based): chrX:2,955,429, G>T on the plus strand (C>A on the coding strand, the complement: ARSL is on the minus strand). VCF-style: chrX-2955429-G-T. GRCh37 (hg19) VCF-style: chrX-2873470-G-T.
Other names: c.369C>A, p.Tyr123Ter (NM_001282628.2, NM_001369080.1); c.132C>A, p.Tyr44Ter (NM_001282631.2); c.321C>A, p.Tyr107Ter (NM_001369079.1); short protein forms Y107*, Y123*, Y44*, Y98*.
Identifiers: ClinVar variation 3382779 (VCV003382779.2).

ClinVar aggregate classification (germline): Pathogenic (1 of 4 stars; one submission).

Conditions:
X-linked chondrodysplasia punctata 1 (CDPX1). Also called: CHONDRODYSPLASIA PUNCTATA, BRACHYTELEPHALANGIC; Chondrodysplasia punctata, X-linked recessive. Identifiers: Orphanet 79345, MedGen C3669395, MONDO:0010555, OMIM 302950.

Submission:

Juno Genomics, Hangzhou Juno Genomics, Inc
Classification: Pathogenic for X-linked chondrodysplasia punctata 1. Review status: criteria provided, single submitter. Criteria: ACMG Guidelines, 2015. Collection method: clinical testing. Allele origin: germline. Affected: yes.
Comment: Absent from controls (or at extremely low frequency if recessive) in Genome Aggregation Database, Exome Sequencing Project, 1000 Genomes Project, or Exome Aggregation Consortium.;Null variant in a gene where loss of function (LOF) is a known mechanism of disease.;Patient's phenotype or family history is highly specific for a disease with a single genetic etiology.